The following is an entry in ClinVar:

NM_001386135.1(AFF3):c.1077C>T (p.Gly359=)

Gene: AFF3 (ALF transcription elongation factor 3; minus strand). Cytogenetic location: 2q11.2.
Variant type: single nucleotide variant.
Coding change: c.1077C>T on transcript NM_001386135.1 (MANE Select); coding-DNA position 1077, C replaced by T.
Protein change: p.Gly359=; no amino-acid change (glycine 359 retained).
Molecular consequence: synonymous variant.
Genome position (GRCh38, 1-based): chr2:99,727,091, G>A on the plus strand (C>T on the coding strand, the complement: AFF3 is on the minus strand). VCF-style: chr2-99727091-G-A. GRCh37 (hg19) VCF-style: chr2-100343553-G-A.
Other names: c.1152C>T, p.Gly384= (NM_001025108.2); c.1077C>T, p.Gly359= (NM_002285.3); c.1077C>T (NM_002285.2).
Identifiers: ClinVar variation 4083736 (VCV004083736.9).

ClinVar aggregate classification (germline): Benign. Review status: criteria provided, multiple submitters, no conflicts (2 of 4 stars). 2 submissions from 2 submitters: Benign (2). Last evaluated 2026-06-01.

Conditions:
AFF3-related disorder. Also called: AFF3-related condition.

gnomAD v4.1: 1,877 of 1,607,538 alleles (0.12%); highest among the groups gnomAD compares: South Asian, 1.4%; 24 homozygotes.

Submissions (2):

CeGaT Center for Human Genetics Tuebingen
Classification: Benign. Last evaluated: 2026-06-01. Review status: criteria provided, single submitter. Criteria: CeGaT Center For Human Genetics Tuebingen Variant Classification Criteria Version 2. Collection method: clinical testing. Allele origin: germline. Affected: yes. Observed: 3 variant alleles.
Comment: AFF3: BP4, BP7, BS1, BS2

PreventionGenetics, part of Exact Sciences
Classification: Benign for AFF3-related condition. Last evaluated: 2026-04-29. Review status: criteria provided, single submitter. Criteria: ACMG Guidelines, 2015. Collection method: clinical testing. Allele origin: germline.
Comment: This variant is classified as benign based on ACMG/AMP sequence variant interpretation guidelines (Richards et al. 2015 PMID: 25741868, with internal and published modifications).